The following is an entry in ClinVar:

ClinVar aggregate classification (germline): Likely pathogenic (1 of 4 stars; one submission).

Conditions:
Duchenne muscular dystrophy (DMD). Also called: Duchenne Muscular Dystrophy (DMD); MUSCULAR DYSTROPHY, PSEUDOHYPERTROPHIC PROGRESSIVE, DUCHENNE TYPE. Identifiers: Orphanet 98896, MedGen C0013264, MONDO:0010679, OMIM 310200.

Submission:

3billion
Classification: Likely pathogenic for Duchenne muscular dystrophy. Last evaluated: 2025-09-05. Review status: criteria provided, single submitter. Criteria: ACMG Guidelines, 2015. Collection method: clinical testing. Allele origin: germline. Affected: yes.
Comment: The variant is not observed in the gnomAD v4.1.0 dataset. Predicted Consequence/Location: Frameshift: predicted to result in a loss or disruption of normal protein function through nonsense-mediated decay (NMD) or protein truncation. Multiple pathogenic variants are reported downstream of the variant. Therefore, this variant is classified as Likely pathogenic according to the recommendation of ACMG/AMP guideline.

NM_004006.3(DMD):c.2943_2944dup (p.Leu982fs)

Gene: DMD (dystrophin; minus strand). Cytogenetic location: Xp21.1.
Variant type: Duplication.
Coding change: c.2943_2944dup on transcript NM_004006.3 (MANE Select); coding-DNA positions 2943 to 2944, 2 bases duplicated (AT; older notation c.2943_2944dupAT).
Protein change: p.Leu982fs; shifts the reading frame from leucine 982.
Molecular consequence: frameshift variant.
Genome position (GRCh38, 1-based): chrX:32,472,169-32,472,170, AT duplicated on the plus strand (AT on the coding strand, the reverse complement: DMD is on the minus strand). VCF-style (leftmost placement, unchanged base first): chrX-32472168-A-AAT. GRCh37 (hg19) VCF-style: chrX-32490285-A-AAT.
Other names: c.2919_2920dup, p.Leu974fs (NM_000109.4); c.2931_2932dup, p.Leu978fs (NM_004009.3); c.2574_2575dup, p.Leu859fs (NM_004010.3); short protein forms L859fs, L974fs, L978fs, L982fs.
Identifiers: ClinVar variation 4853913 (VCV004853913.1).